The following is an entry in ClinVar:

ClinVar aggregate classification (germline): Uncertain significance (1 of 4 stars; one submission).

Submission:

Labcorp Genetics (formerly Invitae), Labcorp
Classification: Uncertain significance. Last evaluated: 2022-08-09. Review status: criteria provided, single submitter. Criteria: Invitae Variant Classification Sherloc (09022015). Collection method: clinical testing. Allele origin: germline.
Comment: In summary, the available evidence is currently insufficient to determine the role of this variant in disease. Therefore, it has been classified as a Variant of Uncertain Significance. Algorithms developed to predict the effect of missense changes on protein structure and function are either unavailable or do not agree on the potential impact of this missense change (SIFT: "Deleterious"; PolyPhen-2: "Benign"; Align-GVGD: "Class C0"). ClinVar contains an entry for this variant (Variation ID: 1515038). This variant has not been reported in the literature in individuals affected with IL12RB2-related conditions. This variant is not present in population databases (gnomAD no frequency). This sequence change replaces histidine, which is basic and polar, with arginine, which is basic and polar, at codon 797 of the IL12RB2 protein (p.His797Arg).

NM_001374259.2(IL12RB2):c.2390A>G (p.His797Arg)

Gene: IL12RB2 (interleukin 12 receptor subunit beta 2; plus strand). Cytogenetic location: 1p31.3.
Variant type: single nucleotide variant.
Coding change: c.2390A>G on transcript NM_001374259.2 (MANE Select); coding-DNA position 2390, A replaced by G.
Protein change: p.His797Arg; replaces histidine 797 with arginine.
Molecular consequence: missense variant. On other transcripts: 3 prime UTR variant (3), non-coding transcript variant (2).
Genome position (GRCh38, 1-based): chr1:67,395,890, A>G. VCF-style: chr1-67395890-A-G. GRCh37 (hg19) VCF-style: chr1-67861573-A-G.
Other names: c.*310A>G (NM_001258214.1, NM_001319233.1); c.2132A>G, p.His711Arg (NM_001258215.1); c.*291A>G (NM_001258216.1); c.2390A>G, p.His797Arg (NM_001559.3); short protein forms H797R, H711R.
Identifiers: ClinVar variation 1515038 (VCV001515038.8), dbSNP rs2100360763, ClinGen allele CA340735495.